The following is an entry in ClinVar:

ClinVar aggregate classification (germline): Uncertain significance (1 of 4 stars; one submission).

Conditions:
Developmental and epileptic encephalopathy, 66. Also called: EPILEPTIC ENCEPHALOPATHY, EARLY INFANTILE, 66. Identifiers: MedGen C4748070, MONDO:0054845, OMIM 618067.

Submission:

Juno Genomics, Hangzhou Juno Genomics, Inc
Classification: Uncertain significance for Developmental and epileptic encephalopathy, 66. Review status: criteria provided, single submitter. Criteria: ACMG Guidelines, 2015. Collection method: clinical testing. Allele origin: germline.
Comment: Absent from controls (or at extremely low frequency if recessive) in Genome Aggregation Database.

NM_001100913.3(PACS2):c.207+5G>A

Gene: PACS2 (phosphofurin acidic cluster sorting protein 2; plus strand). Cytogenetic location: 14q32.33.
Variant type: single nucleotide variant.
Coding change: c.207+5G>A on transcript NM_001100913.3 (MANE Select); 5 bases into the intron after coding-DNA position 207, G replaced by A.
Molecular consequence: intron variant.
Genome position (GRCh38, 1-based): chr14:105,348,585, G>A. VCF-style: chr14-105348585-G-A. GRCh37 (hg19) VCF-style: chr14-105814922-G-A.
Other names: c.6+5G>A (NM_001243127.3); c.207+5G>A (NM_015197.4).
Identifiers: ClinVar variation 5005290 (VCV005005290.2).